The following is an entry in ClinVar:

NM_003060.4(SLC22A5):c.1586+1G>A

Gene: SLC22A5 (solute carrier family 22 member 5; plus strand). Cytogenetic location: 5q31.1.
Variant type: single nucleotide variant.
Coding change: c.1586+1G>A on transcript NM_003060.4 (MANE Select); the canonical splice donor site of the intron after coding-DNA position 1586, G replaced by A.
Molecular consequence: splice donor variant.
Genome position (GRCh38, 1-based): chr5:132,393,812, G>A. VCF-style: chr5-132393812-G-A. GRCh37 (hg19) VCF-style: chr5-131729504-G-A.
Other names: c.1658+1G>A (NM_001308122.2).
Identifiers: ClinVar variation 2912719 (VCV002912719.3), dbSNP rs386134226, ClinGen allele CA360810081.

ClinVar aggregate classification (germline): Pathogenic (1 of 4 stars; one submission).

Conditions:
Renal carnitine transport defect (CDSP). Also called: CARNITINE DEFICIENCY, SYSTEMIC, DUE TO DEFECT IN RENAL REABSORPTION OF CARNITINE; CARNITINE TRANSPORTER, PLASMA-MEMBRANE, DEFICIENCY OF; CARNITINE UPTAKE DEFECT; Primary carnitine deficiency; Systemic primary carnitine deficiency; Carnitine transporter deficiency. Identifiers: Orphanet 158, MedGen C0342788, MONDO:0008919, OMIM 212140.

Submission:

Labcorp Genetics (formerly Invitae), Labcorp
Classification: Pathogenic for Renal carnitine transport defect. Last evaluated: 2023-02-14. Review status: criteria provided, single submitter. Criteria: Invitae Variant Classification Sherloc (09022015). Collection method: clinical testing. Allele origin: germline.
Comment: For these reasons, this variant has been classified as Pathogenic. Variants that disrupt the consensus splice site are a relatively common cause of aberrant splicing (PMID: 17576681, 9536098). Algorithms developed to predict the effect of sequence changes on RNA splicing suggest that this variant may disrupt the consensus splice site. Disruption of this splice site has been observed in individual(s) with primary carnitine deficiency (PMID: 17486650). In at least one individual the data is consistent with being in trans (on the opposite chromosome) from a pathogenic variant. This variant is not present in population databases (gnomAD no frequency). This sequence change affects a donor splice site in intron 9 of the SLC22A5 gene. While this variant is not anticipated to result in nonsense mediated decay, it likely alters RNA splicing and results in a disrupted protein product.

Literature cited by the submitters: PubMed 17576681; PubMed 9536098; PubMed 17486650.